The following is an entry in ClinVar:

ClinVar aggregate classification (germline): Uncertain significance. Review status: criteria provided, multiple submitters, no conflicts (2 of 4 stars). 3 submissions from 3 submitters: Uncertain significance (3). Last evaluated 2025-08-11.

Conditions:
RPL5-related disorder. Also called: RPL5-related condition.
Diamond-Blackfan anemia. Also called: Blackfan Diamond syndrome; Aregenerative anemia chronic congenital; Red cell aplasia, pure hereditary; Congenital hypoplastic anemia; Aase syndrome. Identifiers: Orphanet 124, MedGen C1260899, MeSH D029503, MONDO:0015253, HP:0004810.
Diamond-Blackfan anemia 6 (DBA6). Also called: RPL5-Related Diamond-Blackfan Anemia. Identifiers: Orphanet 124, MedGen C2931850, MONDO:0012937, OMIM 612561.

Allele frequency attached by ClinVar (database versions not stated): ExAC 0.00008; 1000 Genomes Project 0.00020; TOPMed 0.00001; gnomAD 0.00001; 1000 Genomes Project 30x 0.00016; gnomAD exomes 0.00006.
gnomAD v4.1: 25 of 1,611,830 alleles (0.0016%); highest among the groups gnomAD compares: East Asian, 0.025%; no homozygotes.

Submissions (3):

Labcorp Genetics (formerly Invitae), Labcorp
Classification: Uncertain significance for Diamond-Blackfan anemia. Last evaluated: 2025-08-11. Review status: criteria provided, single submitter. Criteria: Invitae Variant Classification Sherloc (09022015). Collection method: clinical testing. Allele origin: germline.
Comment: This sequence change replaces valine, which is neutral and non-polar, with isoleucine, which is neutral and non-polar, at codon 231 of the RPL5 protein (p.Val231Ile). This variant is present in population databases (rs568863745, gnomAD 0.05%), and has an allele count higher than expected for a pathogenic variant. This variant has not been reported in the literature in individuals affected with RPL5-related conditions. ClinVar contains an entry for this variant (Variation ID: 1509081). Invitae Evidence Modeling of protein sequence and biophysical properties (such as structural, functional, and spatial information, amino acid conservation, physicochemical variation, residue mobility, and thermodynamic stability) indicates that this missense variant is not expected to disrupt RPL5 protein function with a negative predictive value of 80%. In summary, the available evidence is currently insufficient to determine the role of this variant in disease. Therefore, it has been classified as a Variant of Uncertain Significance.

PreventionGenetics, part of Exact Sciences
Classification: Uncertain significance for RPL5-related condition. Last evaluated: 2023-03-22. Review status: criteria provided, single submitter. Criteria: ACMG Guidelines, 2015. Collection method: clinical testing. Allele origin: germline.
Comment: The RPL5 c.691G>A variant is predicted to result in the amino acid substitution p.Val231Ile. To our knowledge, this variant has not been reported in the literature. This variant is reported in 0.054% of alleles in individuals of East Asian descent in gnomAD. At this time, the clinical significance of this variant is uncertain due to the absence of conclusive functional and genetic evidence.

Fulgent Genetics
Classification: Uncertain significance for Diamond-Blackfan anemia 6. Last evaluated: 2021-12-14. Review status: criteria provided, single submitter. Criteria: ACMG Guidelines, 2015. Collection method: clinical testing. Allele origin: unknown.

NM_000969.5(RPL5):c.691G>A (p.Val231Ile)

Genes: DIPK1A (divergent protein kinase domain 1A; minus strand), RPL5 (ribosomal protein L5; plus strand). Cytogenetic location: 1p22.1.
Variant type: single nucleotide variant.
Coding change: c.691G>A on transcript NM_000969.5 (MANE Select); coding-DNA position 691, G replaced by A.
Protein change: p.Val231Ile; replaces valine 231 with isoleucine.
Molecular consequence: missense variant. On other transcripts: non-coding transcript variant (1), intron variant (1).
Genome position (GRCh38, 1-based): chr1:92,837,619, G>A. VCF-style: chr1-92837619-G-A. GRCh37 (hg19) VCF-style: chr1-93303176-G-A.
Other names: c.691G>A (NM_000969.3); c.475-4585C>T (NM_001252273.2); short protein forms V231I.
Identifiers: ClinVar variation 1509081 (VCV001509081.10), dbSNP rs568863745, ClinGen allele CA952538.